The following is an entry in ClinVar:

NM_003079.5(SMARCE1):c.817-1G>A

Gene: SMARCE1 (SWI/SNF related BAF chromatin remodeling complex subunit E1; minus strand). Cytogenetic location: 17q21.2.
Variant type: single nucleotide variant.
Coding change: c.817-1G>A on transcript NM_003079.5 (MANE Select); the canonical splice acceptor site of the intron before coding-DNA position 817, G replaced by A.
Molecular consequence: splice acceptor variant.
Genome position (GRCh38, 1-based): chr17:40,630,925, C>T on the plus strand (G>A on the coding strand, the complement: SMARCE1 is on the minus strand). VCF-style: chr17-40630925-C-T. GRCh37 (hg19) VCF-style: chr17-38787177-C-T.
Identifiers: ClinVar variation 4170318 (VCV004170318.1).

ClinVar aggregate classification (germline): Likely pathogenic (1 of 4 stars; one submission).

Conditions:
Hereditary cancer-predisposing syndrome. Also called: Neoplastic Syndromes, Hereditary; Tumor predisposition; Hereditary Cancer Syndrome; Hereditary neoplastic syndrome. Identifiers: Orphanet 140162, MedGen C0027672, MeSH D009386, MONDO:0015356.

Submission:

Ambry Genetics
Classification: Likely pathogenic for Hereditary cancer-predisposing syndrome. Last evaluated: 2025-07-25. Review status: criteria provided, single submitter. Criteria: Ambry Variant Classification Scheme 2023. Collection method: clinical testing. Allele origin: germline.
Comment: The c.817-1G>A intronic variant results from a G to A substitution one nucleotide upstream from coding exon 9 of the SMARCE1 gene. This alteration occurs at the 3' terminus of the SMARCE1 gene, is not expected to trigger nonsense-mediated mRNA decay, and impacts the last 34% of the protein. The exact functional effect of this alteration is unknown; however, a significant portion of the protein is affected (Ambry internal data). This variant is considered to be rare based on population cohorts in the Genome Aggregation Database (gnomAD). This nucleotide position is highly conserved in available vertebrate species. In silico splice site analysis predicts that this alteration will weaken the native splice acceptor site and will result in the creation or strengthening of a novel splice acceptor site. Loss-of-function variants in SMARCE1 are known to cause increased risk of meningiomas; however, such associations with neurodevelopmental disorders are exceedingly rare (Kosho T et al. Am J Med Genet C Semin Med Genet. 2014 Sep;166C(3):262-75; Smith JM et al. Nat Genet. 2013 Mar;45(3):295-8). Based on the supporting evidence, this alteration is likely pathogenic for an increased risk of meningiomas; however, the association of this alteration with Coffin-Siris syndrome is unlikely.